The following is an entry in ClinVar:

ClinVar aggregate classification (germline): Uncertain significance (1 of 4 stars; one submission).

gnomAD v4.1: 1 of 1,613,278 alleles (0.000062%); highest among the groups gnomAD compares: South Asian, 0.0011%; no homozygotes.

Submission:

GeneDx
Classification: Uncertain significance. Last evaluated: 2023-11-14. Review status: criteria provided, single submitter. Criteria: GeneDx Variant Classification Process June 2021. Collection method: clinical testing. Allele origin: germline. Affected: yes.
Comment: Not observed at significant frequency in large population cohorts (gnomAD); In silico analysis supports that this missense variant does not alter protein structure/function; Has not been previously published as pathogenic or benign to our knowledge

NM_001378609.3(OTOGL):c.1321G>A (p.Glu441Lys)

Gene: OTOGL (otogelin like; plus strand). Cytogenetic location: 12q21.31.
Variant type: single nucleotide variant.
Coding change: c.1321G>A on transcript NM_001378609.3 (MANE Select); coding-DNA position 1321, G replaced by A.
Protein change: p.Glu441Lys; replaces glutamic acid 441 with lysine.
Molecular consequence: missense variant.
Genome position (GRCh38, 1-based): chr12:80,253,501, G>A. VCF-style: chr12-80253501-G-A. GRCh37 (hg19) VCF-style: chr12-80647281-G-A.
Other names: c.1321G>A, p.Glu441Lys (NM_001368062.3, NM_001378610.3, NM_173591.7); short protein forms E441K.
Identifiers: ClinVar variation 3364131 (VCV003364131.1).